The following is an entry in ClinVar:

NM_033419.5(PGAP3):c.465T>C (p.Val155=)

Gene: PGAP3 (post-GPI attachment to proteins phospholipase 3; minus strand). Cytogenetic location: 17q12.
Variant type: single nucleotide variant.
Coding change: c.465T>C on transcript NM_033419.5 (MANE Select); coding-DNA position 465, T replaced by C.
Protein change: p.Val155=; no amino-acid change (valine 155 retained).
Molecular consequence: synonymous variant. On other transcripts: intron variant (3).
Genome position (GRCh38, 1-based): chr17:39,674,647, A>G on the plus strand (T>C on the coding strand, the complement: PGAP3 is on the minus strand). VCF-style: chr17-39674647-A-G. GRCh37 (hg19) VCF-style: chr17-37830900-A-G.
Other names: p.Val155=; c.312T>C, p.Val104= (NM_001291726.2); c.465T>C, p.Val155= (NM_001291730.2); c.433-1781T>C (NM_001291733.2); c.433-593T>C (NM_001291732.2, NM_001291728.2).
Identifiers: ClinVar variation 679984 (VCV000679984.14), dbSNP rs2941504, ClinGen allele CA8533355.
Genomic context (GRCh38, chr17:39,674,647, plus strand): 5'-TGCAGGAGGGGGAGCTGGAGGAATGCTCACCTCTGTGAGGTCAGTGTCCCTGGTGTGGAA[A>G]ACTGTGGACCAGAACCATGCATTGAGGGACACCTAAGGAGGGAGGGGCTGGTGAGCATGC-3'
Protein context (NP_219487.3, residues 145-165): VSLNAWFWST[Val155=]FHTRDTDLTE

ClinVar aggregate classification (germline): Benign. Review status: criteria provided, multiple submitters, no conflicts (2 of 4 stars). 6 submissions from 6 submitters: Benign (6). Last evaluated 2026-02-03.

Conditions:
Hyperphosphatasia with impaired intellectual development syndrome 4. Also called: Hyperphosphatasia with intellectual disability syndrome 4; GLYCOSYLPHOSPHATIDYLINOSITOL BIOSYNTHESIS DEFECT 10. Identifiers: Orphanet 247262, MedGen C3810354, MONDO:0014318, OMIM 615716.

Allele frequency attached by ClinVar (database versions not stated): 1000 Genomes Project 30x 0.57417; TOPMed 0.61958; gnomAD exomes 0.66753 and 0.69159; gnomAD 0.63491 and 0.63630; 1000 Genomes Project 0.57788; ExAC 0.69826; ESP Exome Variant Server 0.65762.
gnomAD v4.1: 1,062,933 of 1,549,746 alleles (69%); highest among the groups gnomAD compares: South Asian, 77%; 367,720 homozygotes.

Submissions (6):

Labcorp Genetics (formerly Invitae), Labcorp
Classification: Benign. Last evaluated: 2026-02-03. Review status: criteria provided, single submitter. Criteria: Invitae Variant Classification Sherloc (09022015). Collection method: clinical testing. Allele origin: germline.

Blueprint Genetics
Classification: Benign. Last evaluated: 2024-11-28. Review status: criteria provided, single submitter. Criteria: ACMG Guidelines, 2015. Collection method: clinical testing. Allele origin: germline.

Genome-Nilou Lab
Classification: Benign for Hyperphosphatasia with impaired intellectual development syndrome 4. Last evaluated: 2021-09-05. Review status: criteria provided, single submitter. Criteria: ACMG Guidelines, 2015. Collection method: clinical testing. Allele origin: germline. Affected: no.

GeneDx
Classification: Benign. Last evaluated: 2018-06-14. Review status: criteria provided, single submitter. Criteria: GeneDx Variant Classification (06012015). Collection method: clinical testing. Allele origin: germline. Affected: yes.
Comment: This variant is considered likely benign or benign based on one or more of the following criteria: it is a conservative change, it occurs at a poorly conserved position in the protein, it is predicted to be benign by multiple in silico algorithms, and/or has population frequency not consistent with disease.

Mayo Clinic Laboratories, Mayo Clinic
Classification: Benign. Last evaluated: 2017-11-20. Review status: criteria provided, single submitter. Criteria: ACMG Guidelines, 2015. Collection method: clinical testing. Allele origin: germline. Observed: 36 variant alleles.

Breakthrough Genomics
Classification: Benign. Review status: criteria provided, single submitter. Criteria: ACMG Guidelines, 2015. Collection method: not provided. Allele origin: germline. Inheritance: Autosomal recessive inheritance. Affected: yes.